The following is an entry in ClinVar:

NC_000023.10:g.(?_32235013)_(32756908_?)del

Gene: DMD (dystrophin; minus strand). Cytogenetic location: Xp21.1.
Variant type: Deletion.
Identifiers: ClinVar variation 2424853 (VCV002424853.4).

ClinVar aggregate classification (germline): Pathogenic (1 of 4 stars; one submission).

Conditions:
Duchenne muscular dystrophy (DMD). Also called: Duchenne Muscular Dystrophy (DMD); MUSCULAR DYSTROPHY, PSEUDOHYPERTROPHIC PROGRESSIVE, DUCHENNE TYPE. Identifiers: Orphanet 98896, MedGen C0013264, MONDO:0010679, OMIM 310200.

Submission:

Labcorp Genetics (formerly Invitae), Labcorp
Classification: Pathogenic for Duchenne muscular dystrophy. Last evaluated: 2022-05-25. Review status: criteria provided, single submitter. Criteria: Invitae Variant Classification Sherloc (09022015). Collection method: clinical testing. Allele origin: germline.
Comment: This variant is a gross deletion of the genomic region encompassing exon(s) 8-44 of the DMD gene. This deletion is out-of-frame, and is expected to create a premature termination codon and result in an absent or disrupted protein product. Loss-of-function variants in DMD are known to be pathogenic (PMID: 16770791, 25007885). A similar copy number variant has been observed in individuals with DMD-related conditions (PMID: 12111668, 25076844, 26718981). For these reasons, this variant has been classified as Pathogenic.

Literature cited by the submitters: PubMed 16770791; PubMed 25007885; PubMed 12111668; PubMed 25076844; PubMed 26718981.